The following is an entry in ClinVar:

NM_004606.5(TAF1):c.2084T>C (p.Val695Ala)

Gene: TAF1 (TATA-box binding protein associated factor 1; plus strand). Cytogenetic location: Xq13.1.
Variant type: single nucleotide variant.
Coding change: c.2084T>C on transcript NM_004606.5 (MANE Select); coding-DNA position 2084, T replaced by C.
Protein change: p.Val695Ala; replaces valine 695 with alanine.
Molecular consequence: missense variant. On other transcripts: non-coding transcript variant (9).
Genome position (GRCh38, 1-based): chrX:71,384,098, T>C. VCF-style: chrX-71384098-T-C. GRCh37 (hg19) VCF-style: chrX-70603948-T-C.
Other names: c.2084T>C, p.Val695Ala (NM_001286074.2); c.2021T>C, p.Val674Ala (NM_138923.4); short protein forms V674A, V695A.
Identifiers: ClinVar variation 386763 (VCV000386763.2), dbSNP rs1057522594, ClinGen allele CA16608987.

ClinVar aggregate classification (germline): Uncertain significance (1 of 4 stars; one submission).

Allele frequency attached by ClinVar (database versions not stated): gnomAD exomes 0.00001; TOPMed 0.00001 and below 0.00001; gnomAD 0.00001.
gnomAD v4.1: 14 of 1,209,551 alleles (0.0012%); highest among the groups gnomAD compares: Non-Finnish European, 0.0016%; no homozygotes.

Submission:

GeneDx
Classification: Uncertain significance. Last evaluated: 2016-12-22. Review status: criteria provided, single submitter. Criteria: GeneDx Variant Classification (06012015). Collection method: clinical testing. Allele origin: germline. Affected: yes.
Comment: The V715A variant in the TAF1 gene has not been reported previously as a pathogenic variant, nor as a benign variant, to our knowledge. This variant was not observed in approximately 6500 individuals of European and African American ancestry in the NHLBI Exome Sequencing Project, indicating it is not a common benign variant in these populations. The V715A variant is a conservative amino acid substitution, which is not likely to impact secondary protein structure as these residues share similar properties. However, this substitution occurs at a position that is conserved across species, and in silico analysis predicts this variant is probably damaging to the protein structure/function. We interpret V715A as a variant of uncertain significance.